The following is an entry in ClinVar:

ClinVar aggregate classification (germline): Uncertain significance (1 of 4 stars; one submission).

gnomAD v4.1: 34 of 1,611,186 alleles (0.0021%); highest among the groups gnomAD compares: African/African-American, 0.008%; no homozygotes.

Submission:

Labcorp Genetics (formerly Invitae), Labcorp
Classification: Uncertain significance. Last evaluated: 2023-08-04. Review status: criteria provided, single submitter. Criteria: Invitae Variant Classification Sherloc (09022015). Collection method: clinical testing. Allele origin: germline.
Comment: ClinVar contains an entry for this variant (Variation ID: 2064188). An algorithm developed to predict the effect of missense changes on protein structure and function (PolyPhen-2) suggests that this variant is likely to be disruptive. In summary, the available evidence is currently insufficient to determine the role of this variant in disease. Therefore, it has been classified as a Variant of Uncertain Significance. This variant has not been reported in the literature in individuals affected with SAMD11-related conditions. This sequence change replaces proline, which is neutral and non-polar, with leucine, which is neutral and non-polar, at codon 188 of the SAMD11 protein (p.Pro188Leu). The frequency data for this variant in the population databases is considered unreliable, as metrics indicate poor data quality at this position in the gnomAD database.

NM_001385641.1(SAMD11):c.1100C>T (p.Pro367Leu)

Gene: SAMD11 (sterile alpha motif domain containing 11; plus strand). Cytogenetic location: 1p36.33.
Variant type: single nucleotide variant.
Coding change: c.1100C>T on transcript NM_001385641.1 (MANE Select); coding-DNA position 1100, C replaced by T.
Protein change: p.Pro367Leu; replaces proline 367 with leucine.
Molecular consequence: missense variant.
Genome position (GRCh38, 1-based): chr1:939,317, C>T. VCF-style: chr1-939317-C-T. GRCh37 (hg19) VCF-style: chr1-874697-C-T.
Other names: c.1103C>T, p.Pro368Leu (NM_001385640.1); c.563C>T, p.Pro188Leu (NM_152486.4); short protein forms P188L, P367L, P368L.
Identifiers: ClinVar variation 2064188 (VCV002064188.4), dbSNP rs199789235, ClinGen allele CA502705.